The following is an entry in ClinVar:

NM_000059.4(BRCA2):c.2744C>A (p.Thr915Asn)

Gene: BRCA2 (BRCA2 DNA repair associated; plus strand). Cytogenetic location: 13q13.1.
Variant type: single nucleotide variant.
Coding change: c.2744C>A on transcript NM_000059.4 (MANE Select); coding-DNA position 2744, C replaced by A.
Protein change: p.Thr915Asn; replaces threonine 915 with asparagine.
Molecular consequence: missense variant. On other transcripts: non-coding transcript variant (1), intron variant (2).
Genome position (GRCh38, 1-based): chr13:32,337,099, C>A. VCF-style: chr13-32337099-C-A. GRCh37 (hg19) VCF-style: chr13-32911236-C-A.
Other names: c.2744C>A, p.Thr915Asn (NM_001406719.1, NM_001406720.1); c.1909+3712C>A (NM_001406721.1); c.424+6069C>A (NM_001406722.1); short protein forms T915N.
Identifiers: ClinVar variation 2771176 (VCV002771176.3), dbSNP rs786202795, ClinGen allele CA387773627.

ClinVar aggregate classification (germline): Uncertain significance (1 of 4 stars; one submission).

Conditions:
Hereditary breast ovarian cancer syndrome. Also called: Hereditary breast and ovarian cancer syndrome; Hereditary breast and ovarian cancer syndrome (HBOC); BRCA1- and BRCA2-Associated Hereditary Breast and Ovarian Cancer; Hereditary breast and ovarian cancer; Breast and ovarian cancer; Hereditary breast and/or ovarian cancer syndrome. Identifiers: Orphanet 145, MedGen C0677776, MeSH D061325, MONDO:0003582. Disease mechanism: loss of function.

Submission:

Labcorp Genetics (formerly Invitae), Labcorp
Classification: Uncertain significance for Hereditary breast ovarian cancer syndrome. Last evaluated: 2023-10-23. Review status: criteria provided, single submitter. Criteria: Invitae Variant Classification Sherloc (09022015). Collection method: clinical testing. Allele origin: germline.
Comment: This sequence change replaces threonine, which is neutral and polar, with asparagine, which is neutral and polar, at codon 915 of the BRCA2 protein (p.Thr915Asn). This variant is not present in population databases (gnomAD no frequency). This variant has not been reported in the literature in individuals affected with BRCA2-related conditions. Advanced modeling of protein sequence and biophysical properties (such as structural, functional, and spatial information, amino acid conservation, physicochemical variation, residue mobility, and thermodynamic stability) performed at Invitae indicates that this missense variant is not expected to disrupt BRCA2 protein function. In summary, the available evidence is currently insufficient to determine the role of this variant in disease. Therefore, it has been classified as a Variant of Uncertain Significance.